The following is an entry in ClinVar:

NM_024809.5(TCTN2):c.716C>G (p.Ser239Cys)

Gene: TCTN2 (tectonic family member 2; plus strand). Cytogenetic location: 12q24.31.
Variant type: single nucleotide variant.
Coding change: c.716C>G on transcript NM_024809.5 (MANE Select); coding-DNA position 716, C replaced by G.
Protein change: p.Ser239Cys; replaces serine 239 with cysteine.
Molecular consequence: missense variant.
Genome position (GRCh38, 1-based): chr12:123,686,987, C>G. VCF-style: chr12-123686987-C-G. GRCh37 (hg19) VCF-style: chr12-124171534-C-G.
Other names: c.716C>G (NM_024809.3); c.713C>G, p.Ser238Cys (NM_001143850.3); short protein forms S239C, S238C.
Identifiers: ClinVar variation 1506346 (VCV001506346.6), dbSNP rs149186771, ClinGen allele CA245195602.
Genomic context (GRCh38, chr12:123,686,987, plus strand): 5'-GCTCTGCTGGGACGACGACACGTGGTGTCCCCGATTGGTTTCCCTTTCTGTGTGTGCAGT[C>G]CCCCCTTGCCAACACACCCTTCCTTGGTTACTTCTATCATGGTGCTGTGTAAGTGTCTGA-3'
Protein context (NP_079085.2, residues 229-249): PDWFPFLCVQ[Ser239Cys]PLANTPFLGY

ClinVar aggregate classification (germline): Uncertain significance. Review status: criteria provided, multiple submitters, no conflicts (2 of 4 stars). 2 submissions from 2 submitters: Uncertain significance (2). Last evaluated 2022-05-25.

Conditions:
Meckel-Gruber syndrome. Also called: DYSENCEPHALIA SPLANCHNOCYSTICA; GRUBER SYNDROME; Dysencephalia splachnocystica. Identifiers: Orphanet 564, MedGen C0265215, MONDO:0018921.
Joubert syndrome. Also called: CEREBELLOPARENCHYMAL DISORDER IV; JOUBERT-BOLTSHAUSER SYNDROME; Familial aplasia of the vermis. Identifiers: Orphanet 475, MedGen C5979921, MONDO:0018772.
Inborn genetic diseases. Identifiers: MedGen C0950123, MeSH D030342.

gnomAD v4.1: 12 of 1,613,996 alleles (0.00074%); highest among the groups gnomAD compares: African/African-American, 0.0067%; no homozygotes.

Submissions (2):

Labcorp Genetics (formerly Invitae), Labcorp
Classification: Uncertain significance for Joubert syndrome; Meckel-Gruber syndrome. Last evaluated: 2022-05-25. Review status: criteria provided, single submitter. Criteria: Invitae Variant Classification Sherloc (09022015). Collection method: clinical testing. Allele origin: germline.
Comment: This sequence change replaces serine, which is neutral and polar, with cysteine, which is neutral and slightly polar, at codon 239 of the TCTN2 protein (p.Ser239Cys). This variant is present in population databases (no rsID available, gnomAD 0.02%). This variant has not been reported in the literature in individuals affected with TCTN2-related conditions. Algorithms developed to predict the effect of missense changes on protein structure and function are either unavailable or do not agree on the potential impact of this missense change (SIFT: "Deleterious"; PolyPhen-2: "Probably Damaging"; Align-GVGD: "Class C0"). In summary, the available evidence is currently insufficient to determine the role of this variant in disease. Therefore, it has been classified as a Variant of Uncertain Significance.

Ambry Genetics
Classification: Uncertain significance for Inborn genetic diseases. Last evaluated: 2020-12-02. Review status: criteria provided, single submitter. Criteria: Ambry Variant Classification Scheme 2023. Collection method: clinical testing. Allele origin: germline.
Comment: The c.716C>G (p.S239C) alteration is located in exon 6 (coding exon 6) of the TCTN2 gene. This alteration results from a C to G substitution at nucleotide position 716, causing the serine (S) at amino acid position 239 to be replaced by a cysteine (C). The in silico prediction for the p.S239C alteration is inconclusive. Based on insufficient or conflicting evidence, the clinical significance of this alteration remains unclear.